The following is an entry in ClinVar:

NM_017667.4(VPS50):c.1242T>C (p.Phe414=)

Gene: VPS50 (VPS50 subunit of EARP/GARPII complex; plus strand). Cytogenetic location: 7q21.2.
Variant type: single nucleotide variant.
Coding change: c.1242T>C on transcript NM_017667.4 (MANE Select); coding-DNA position 1242, T replaced by C.
Protein change: p.Phe414=; no amino-acid change (phenylalanine 414 retained).
Molecular consequence: synonymous variant.
Genome position (GRCh38, 1-based): chr7:93,296,816, T>C. VCF-style: chr7-93296816-T-C. GRCh37 (hg19) VCF-style: chr7-92926128-T-C.
Other names: c.1152T>C, p.Phe384= (NM_001257998.2).
Identifiers: ClinVar variation 4533760 (VCV004533760.6).

ClinVar aggregate classification (germline): Likely benign (1 of 4 stars; one submission).

gnomAD v4.1: 56 of 1,602,862 alleles (0.0035%); highest among the groups gnomAD compares: Admixed American, 0.031%; no homozygotes.

Submission:

CeGaT Center for Human Genetics Tuebingen
Classification: Likely benign. Last evaluated: 2025-11-01. Review status: criteria provided, single submitter. Criteria: CeGaT Center For Human Genetics Tuebingen Variant Classification Criteria Version 2. Collection method: clinical testing. Allele origin: germline. Affected: yes. Observed: 1 variant allele.
Comment: VPS50: BP4, BP7